The following is an entry in ClinVar:

NM_000465.4(BARD1):c.1610A>G (p.Glu537Gly)

Gene: BARD1 (BRCA1 associated RING domain 1; minus strand). Cytogenetic location: 2q35.
Variant type: single nucleotide variant.
Coding change: c.1610A>G on transcript NM_000465.4 (MANE Select); coding-DNA position 1610, A replaced by G.
Protein change: p.Glu537Gly; replaces glutamic acid 537 with glycine.
Molecular consequence: missense variant. On other transcripts: non-coding transcript variant (3), intron variant (1).
Genome position (GRCh38, 1-based): chr2:214,752,514, T>C on the plus strand (A>G on the coding strand, the complement: BARD1 is on the minus strand). VCF-style: chr2-214752514-T-C. GRCh37 (hg19) VCF-style: chr2-215617238-T-C.
Other names: c.1553A>G, p.Glu518Gly (NM_001282543.2); c.257A>G, p.Glu86Gly (NM_001282545.2); c.200A>G, p.Glu67Gly (NM_001282548.2); c.365-22006A>G (NM_001282549.2); short protein forms E537G, E518G, E67G, E86G.
Identifiers: ClinVar variation 481405 (VCV000481405.21), dbSNP rs1553616390, ClinGen allele CA350454877.

ClinVar aggregate classification (germline): Uncertain significance. Review status: criteria provided, multiple submitters, no conflicts (2 of 4 stars). 4 submissions from 4 submitters: Uncertain significance (4). Last evaluated 2024-10-29.

Conditions:
Familial cancer of breast. Also called: BREAST CANCER, FAMILIAL; Hereditary breast cancer; hereditary breast carcinoma. Identifiers: Orphanet 227535, MedGen C0346153, MONDO:0016419, OMIM 114480. Disease mechanism: loss of function.
Hereditary cancer-predisposing syndrome. Also called: Hereditary Cancer Syndrome; Neoplastic Syndromes, Hereditary; Tumor predisposition; Hereditary neoplastic syndrome. Identifiers: Orphanet 140162, MedGen C0027672, MeSH D009386, MONDO:0015356.

Allele frequency attached by ClinVar (database versions not stated): gnomAD exomes below 0.00001.
gnomAD v4.1: 1 of 1,613,828 alleles (0.000062%); highest among the groups gnomAD compares: Non-Finnish European, 0.000085%; no homozygotes.

Submissions (4):

Ambry Genetics
Classification: Uncertain significance for Hereditary cancer-predisposing syndrome. Last evaluated: 2024-10-29. Review status: criteria provided, single submitter. Criteria: Ambry Variant Classification Scheme 2023. Collection method: clinical testing. Allele origin: germline.
Comment: The p.E537G variant (also known as c.1610A>G), located in coding exon 7 of the BARD1 gene, results from an A to G substitution at nucleotide position 1610. The glutamic acid at codon 537 is replaced by glycine, an amino acid with similar properties. This alteration was detected once in a cohort of 1663 Brazilian breast cancer patients who underwent hereditary multigene panel testing (Guindalini RSC et al. Sci Rep, 2022 Mar;12:4190). This amino acid position is well conserved in available vertebrate species. In addition, the in silico prediction for this alteration is inconclusive. Based on the available evidence, the clinical significance of this variant remains unclear.

Color Diagnostics, LLC DBA Color Health
Classification: Uncertain significance for Hereditary cancer-predisposing syndrome. Last evaluated: 2023-12-05. Review status: criteria provided, single submitter. Criteria: ACMG Guidelines, 2015. Collection method: clinical testing. Allele origin: germline.
Comment: This missense variant replaces glutamic acid with glycine at codon 537 of the BARD1 protein. Computational prediction suggests that this variant may not impact protein structure and function (internally defined REVEL score threshold <= 0.5, PMID: 27666373). To our knowledge, functional studies have not been reported for this variant. This variant has not been reported in individuals affected with BARD1-related disorders in the literature. This variant has not been identified in the general population by the Genome Aggregation Database (gnomAD). The available evidence is insufficient to determine the role of this variant in disease conclusively. Therefore, this variant is classified as a Variant of Uncertain Significance.

Labcorp Genetics (formerly Invitae), Labcorp
Classification: Uncertain significance for Familial cancer of breast. Last evaluated: 2022-09-10. Review status: criteria provided, single submitter. Criteria: Invitae Variant Classification Sherloc (09022015). Collection method: clinical testing. Allele origin: germline.
Comment: In summary, the available evidence is currently insufficient to determine the role of this variant in disease. Therefore, it has been classified as a Variant of Uncertain Significance. Algorithms developed to predict the effect of missense changes on protein structure and function (SIFT, PolyPhen-2, Align-GVGD) all suggest that this variant is likely to be tolerated. ClinVar contains an entry for this variant (Variation ID: 481405). This variant has not been reported in the literature in individuals affected with BARD1-related conditions. This variant is not present in population databases (gnomAD no frequency). This sequence change replaces glutamic acid, which is acidic and polar, with glycine, which is neutral and non-polar, at codon 537 of the BARD1 protein (p.Glu537Gly).

Mendelics
Classification: Uncertain significance for Familial cancer of breast. Last evaluated: 2018-07-02. Review status: criteria provided, single submitter. Criteria: Mendelics Assertion Criteria 2017. Collection method: clinical testing. Allele origin: unknown.

Literature cited by the submitters: PubMed 35264596 (cited by Ambry Genetics).